The following is an entry in ClinVar:

NM_006514.4(SCN10A):c.3542C>T (p.Thr1181Met)

Gene: SCN10A (sodium voltage-gated channel alpha subunit 10; minus strand). Cytogenetic location: 3p22.2.
Variant type: single nucleotide variant.
Coding change: c.3542C>T on transcript NM_006514.4 (MANE Select); coding-DNA position 3542, C replaced by T.
Protein change: p.Thr1181Met; replaces threonine 1181 with methionine.
Molecular consequence: missense variant.
Genome position (GRCh38, 1-based): chr3:38,718,792, G>A on the plus strand (C>T on the coding strand, the complement: SCN10A is on the minus strand). VCF-style: chr3-38718792-G-A. GRCh37 (hg19) VCF-style: chr3-38760283-G-A.
Other names: p.Thr1181Met; c.3539C>T, p.Thr1180Met (NM_001293306.2); c.3248C>T, p.Thr1083Met (NM_001293307.2); short protein forms T1181M, T1083M, T1180M.
Identifiers: ClinVar variation 240670 (VCV000240670.18), dbSNP rs150773437, ClinGen allele CA2320194.

ClinVar aggregate classification (germline): Benign/Likely benign. Review status: criteria provided, multiple submitters, no conflicts (2 of 4 stars). 7 submissions from 7 submitters: Benign (2); Likely benign (4). 1 of the submissions does not count toward it. Last evaluated 2026-08-01.

Conditions:
SCN10A-related disorder. Also called: SCN10A-related condition.
Cardiovascular phenotype. Identifiers: MedGen CN230736.
Brugada syndrome. Also called: Sudden unexpected nocturnal death syndrome; Sudden unexplained nocturnal death syndrome; Sudden Unexplained Death Syndrome; Sudden Unexplained Nocturnal Death Syndrome (SUNDS). Identifiers: Orphanet 130, MedGen C1142166, MONDO:0015263.

Allele frequency attached by ClinVar (database versions not stated): gnomAD 0.00034 and 0.00026; TOPMed 0.00045; ExAC 0.00071; 1000 Genomes Project 30x 0.00203; 1000 Genomes Project 0.00220.
gnomAD v4.1: 334 of 1,614,182 alleles (0.021%); highest among the groups gnomAD compares: East Asian, 0.56%; 2 homozygotes.

Submissions (7):

CeGaT Center for Human Genetics Tuebingen
Classification: Likely benign. Last evaluated: 2026-08-01. Review status: criteria provided, single submitter. Criteria: CeGaT Center For Human Genetics Tuebingen Variant Classification Criteria Version 2. Collection method: clinical testing. Allele origin: germline. Affected: yes. Observed: 1 variant allele.
Comment: SCN10A: BS1

Labcorp Genetics (formerly Invitae), Labcorp
Classification: Benign for Brugada syndrome. Last evaluated: 2026-01-19. Review status: criteria provided, single submitter. Criteria: Invitae Variant Classification Sherloc (09022015). Collection method: clinical testing. Allele origin: germline.

Mayo Clinic Laboratories, Mayo Clinic
Classification: Likely benign. Last evaluated: 2025-06-28. Review status: criteria provided, single submitter. Criteria: ACMG Guidelines, 2015. Collection method: clinical testing. Allele origin: germline. Observed: 2 variant alleles.
Comment: BS2

Blueprint Genetics
Classification: Likely benign. Last evaluated: 2024-10-28. Review status: criteria provided, single submitter. Criteria: ACMG Guidelines, 2015. Collection method: clinical testing. Allele origin: germline.

Ambry Genetics
Classification: Likely benign for Cardiovascular phenotype. Last evaluated: 2019-09-06. Review status: criteria provided, single submitter. Criteria: Ambry Variant Classification Scheme 2023. Collection method: clinical testing. Allele origin: germline.

GeneDx
Classification: Benign. Last evaluated: 2017-05-22. Review status: criteria provided, single submitter. Criteria: GeneDx Variant Classification (06012015). Collection method: clinical testing. Allele origin: germline. Affected: yes.
Comment: This variant is considered likely benign or benign based on one or more of the following criteria: it is a conservative change, it occurs at a poorly conserved position in the protein, it is predicted to be benign by multiple in silico algorithms, and/or has population frequency not consistent with disease.

PreventionGenetics, part of Exact Sciences
Classification: Benign for SCN10A-related condition. Last evaluated: 2019-05-15. Review status: no assertion criteria provided. Collection method: clinical testing. Allele origin: germline. Not counted in ClinVar's aggregate classification.
Comment: This variant is classified as benign based on ACMG/AMP sequence variant interpretation guidelines (Richards et al. 2015 PMID: 25741868, with internal and published modifications).

Literature cited by the submitters: PubMed 29502107 (cited by Mayo Clinic Laboratories, Mayo Clinic); PubMed 34356069 (cited by Mayo Clinic Laboratories, Mayo Clinic).